The following is an entry in ClinVar:

ClinVar aggregate classification (germline): Uncertain significance (1 of 4 stars; one submission).

gnomAD v4.1: 1 of 1,546,872 alleles (0.000065%); highest among the groups gnomAD compares: Non-Finnish European, 0.000087%; no homozygotes.

Submission:

GeneDx
Classification: Uncertain significance. Last evaluated: 2023-10-17. Review status: criteria provided, single submitter. Criteria: GeneDx Variant Classification Process June 2021. Collection method: clinical testing. Allele origin: germline. Affected: yes.
Comment: Not observed at significant frequency in large population cohorts (gnomAD); In silico analysis supports that this missense variant does not alter protein structure/function; Has not been previously published as pathogenic or benign to our knowledge

NM_001367624.2(ZNF469):c.9856G>A (p.Ala3286Thr)

Gene: ZNF469 (zinc finger protein 469; plus strand). Cytogenetic location: 16q24.2.
Variant type: single nucleotide variant.
Coding change: c.9856G>A on transcript NM_001367624.2 (MANE Select); coding-DNA position 9856, G replaced by A.
Protein change: p.Ala3286Thr; replaces alanine 3286 with threonine.
Molecular consequence: missense variant.
Genome position (GRCh38, 1-based): chr16:88,437,326, G>A. VCF-style: chr16-88437326-G-A. GRCh37 (hg19) VCF-style: chr16-88503734-G-A.
Other names: NM_001127464.1:c.9772G>A; short protein forms A3286T.
Identifiers: ClinVar variation 3366143 (VCV003366143.1).